The following is an entry in ClinVar:

ClinVar aggregate classification (germline): Uncertain significance. Review status: criteria provided, multiple submitters, no conflicts (2 of 4 stars). 4 submissions from 4 submitters: Uncertain significance (4). Last evaluated 2022-10-05.

Conditions:
Fanconi anemia (FA). Also called: Fanconi's anemia. Identifiers: Orphanet 84, MedGen C0015625, MeSH D005199, MONDO:0019391.

Allele frequency attached by ClinVar (database versions not stated): gnomAD 0.00003; TOPMed 0.00006; gnomAD exomes 0.00008 and 0.00012; ExAC 0.00014.

Submissions (4):

Labcorp Genetics (formerly Invitae), Labcorp
Classification: Uncertain significance for Fanconi anemia. Last evaluated: 2022-10-05. Review status: criteria provided, single submitter. Criteria: Invitae Variant Classification Sherloc (09022015). Collection method: clinical testing. Allele origin: germline.
Comment: This sequence change replaces aspartic acid, which is acidic and polar, with asparagine, which is neutral and polar, at codon 185 of the SLX4 protein (p.Asp185Asn). This variant is present in population databases (rs201769293, gnomAD 0.05%). This variant has not been reported in the literature in individuals affected with SLX4-related conditions. ClinVar contains an entry for this variant (Variation ID: 643836). Algorithms developed to predict the effect of missense changes on protein structure and function output the following: SIFT: "Tolerated"; PolyPhen-2: "Benign"; Align-GVGD: "Class C0". The asparagine amino acid residue is found in multiple mammalian species, which suggests that this missense change does not adversely affect protein function. In summary, the available evidence is currently insufficient to determine the role of this variant in disease. Therefore, it has been classified as a Variant of Uncertain Significance.

GeneDx
Classification: Uncertain significance. Last evaluated: 2022-06-08. Review status: criteria provided, single submitter. Criteria: GeneDx Variant Classification Process June 2021. Collection method: clinical testing. Allele origin: germline. Affected: yes.
Comment: In silico analysis supports that this missense variant does not alter protein structure/function; Has not been previously published as pathogenic or benign to our knowledge

Institute for Clinical Genetics, University Hospital TU Dresden, University Hospital TU Dresden
Classification: Uncertain significance. Last evaluated: 2021-11-03. Review status: criteria provided, single submitter. Criteria: ACMG Guidelines, 2015. Collection method: clinical testing. Allele origin: germline.

Sema4
Classification: Uncertain significance for Fanconi anemia. Last evaluated: 2021-06-13. Review status: criteria provided, single submitter. Criteria: Sema4 Curation Guidelines. Collection method: curation. Allele origin: germline.
Comment: The SLX4 c.553G>A (p.D185N) variant has not been reported in the literature to our knowledge. It was observed in 6/10366 chromosomes in the Ashkenazi Jewish subpopulation in the large and broad cohorts of the Genome Aggregation Database (PMID: 32461654). The variant has been reported in ClinVar (Variation ID: 643836). In silico tools suggest the impact of the variant on protein function is benign, though these predictions have not been confirmed by functional studies. The evidence is insufficient to meet ACMG/AMP criteria for classifying the variant as benign or pathogenic. Thus, the clinical significance of this variant is currently uncertain.

NM_032444.4(SLX4):c.553G>A (p.Asp185Asn)

Gene: SLX4 (SLX4 structure-specific endonuclease subunit; minus strand). Cytogenetic location: 16p13.3.
Variant type: single nucleotide variant.
Coding change: c.553G>A on transcript NM_032444.4 (MANE Select); coding-DNA position 553, G replaced by A.
Protein change: p.Asp185Asn; replaces aspartic acid 185 with asparagine.
Molecular consequence: missense variant.
Genome position (GRCh38, 1-based): chr16:3,606,681, C>T on the plus strand (G>A on the coding strand, the complement: SLX4 is on the minus strand). VCF-style: chr16-3606681-C-T. GRCh37 (hg19) VCF-style: chr16-3656682-C-T.
Other names: c.553G>A (LRG_503t1); short protein forms D185N.
Identifiers: ClinVar variation 643836 (VCV000643836.10), dbSNP rs201769293, ClinGen allele CA7866824.